The following is an entry in ClinVar:

NM_001288705.3(CSF1R):c.2808CAG[6] (p.Ser939_Ser940dup)

Gene: CSF1R (colony stimulating factor 1 receptor; minus strand). Cytogenetic location: 5q32.
Variant type: Microsatellite.
Coding change: c.2808CAG[6] on transcript NM_001288705.3 (MANE Select); six copies in a row of the 3-base unit CAG starting at c.2808; the reference has four copies in a row; two copies, 6 bases duplicated.
Protein change: p.Ser939_Ser940dup.
Molecular consequence: inframe insertion. On other transcripts: non-coding transcript variant (2).
Genome position (GRCh38, 1-based): chr5:150,054,169-150,054,174, CTGCTG duplicated on the plus strand (CAGCAG on the coding strand, the reverse complement: CSF1R is on the minus strand); duplicating any 6 consecutive bases within chr5:150,054,169-150,054,181 gives the same sequence; the position shown is the placement nearest the transcript's 3' end. VCF-style (leftmost placement, unchanged base first): chr5-150054168-A-ACTGCTG. GRCh37 (hg19) VCF-style: chr5-149433731-A-ACTGCTG.
Other names: c.2808CAG[6], p.Ser939_Ser940dup (NM_001349736.2, NM_001375320.1, NM_005211.4); c.2364CAG[6], p.Ser791_Ser792dup (NM_001375321.1).
Identifiers: ClinVar variation 1464653 (VCV001464653.6), dbSNP rs752687225, ClinGen allele CA3506313.
Genomic context (GRCh38, chr5:150,054,168, plus strand): 5'-GGCGATATCCCCTTGCTCGCAGCAGGTCAGGTGCTCACTAGAGCTCTCCTCCTCCAGCTC[A>ACTGCTG]CTGCTGCTGCTGCCGCTGCCACCGCTTCTGCTGCTGCTCGGCAGATTGGTATAGTCCTGA-3'

ClinVar aggregate classification (germline): Uncertain significance (1 of 4 stars; one submission).

Submission:

Labcorp Genetics (formerly Invitae), Labcorp
Classification: Uncertain significance. Last evaluated: 2022-06-02. Review status: criteria provided, single submitter. Criteria: Invitae Variant Classification Sherloc (09022015). Collection method: clinical testing. Allele origin: germline.
Comment: This variant is not present in population databases (gnomAD no frequency). This variant, c.2814_2819dup, results in the insertion of 2 amino acid(s) of the CSF1R protein (p.Ser939_Ser940dup), but otherwise preserves the integrity of the reading frame. This variant has not been reported in the literature in individuals affected with CSF1R-related conditions. Experimental studies and prediction algorithms are not available or were not evaluated, and the functional significance of this variant is currently unknown. Algorithms developed to predict the effect of sequence changes on RNA splicing suggest that this variant may create or strengthen a splice site. In summary, the available evidence is currently insufficient to determine the role of this variant in disease. Therefore, it has been classified as a Variant of Uncertain Significance.